The following is an entry in ClinVar:

NM_007294.4(BRCA1):c.1682del (p.Ser561fs)

Gene: BRCA1 (BRCA1 DNA repair associated; minus strand). Cytogenetic location: 17q21.31.
Variant type: Deletion.
Coding change: c.1682del on transcript NM_007294.4 (MANE Select); coding-DNA position 1682, one base deleted (C; older notation c.1682delC).
Protein change: p.Ser561fs; shifts the reading frame from serine 561.
Molecular consequence: frameshift variant. On other transcripts: intron variant (137).
Genome position (GRCh38, 1-based): chr17:43,093,849, G deleted on the plus strand (C on the coding strand, the reverse complement: BRCA1 is on the minus strand). VCF-style (leftmost placement, unchanged base first): chr17-43093848-AG-A. GRCh37 (hg19) VCF-style: chr17-41245865-AG-A.
Other names: c.787+895del (NM_001407990.1, NM_007299.4, NM_001407974.1 and 19 more transcripts); c.283+895del (NM_001408512.1); c.406+895del (NM_001408510.1); c.577+895del (NM_001408492.1, NM_001408513.1, NM_001408489.1 and 9 more transcripts); c.643+895del (NM_001408468.1, NM_001408470.1, NM_001408464.1 and 3 more transcripts); c.523+895del (NM_001408501.1, NM_001408500.1, NM_001408497.1 and 3 more transcripts); c.646+895del (NM_001408455.1, NM_001408466.1, NM_001408452.1 and 11 more transcripts); c.520+895del (NM_001408503.1, NM_001408505.1, NM_001408504.1); and 40 more; short protein forms S514fs, S561fs, S434fs, S473fs, S494fs, S520fs, S535fs, S560fs.
Identifiers: ClinVar variation 1074750 (VCV001074750.8), dbSNP rs2154430392, ClinGen allele CA2499224537.

ClinVar aggregate classification (germline): Pathogenic (1 of 4 stars; one submission).

Conditions:
Hereditary breast ovarian cancer syndrome. Also called: Hereditary breast and ovarian cancer; Breast and ovarian cancer; BRCA1- and BRCA2-Associated Hereditary Breast and Ovarian Cancer; Hereditary breast and/or ovarian cancer syndrome; Hereditary breast and ovarian cancer syndrome; Hereditary breast and ovarian cancer syndrome (HBOC). Identifiers: Orphanet 145, MedGen C0677776, MeSH D061325, MONDO:0003582. Disease mechanism: loss of function.

Submission:

Labcorp Genetics (formerly Invitae), Labcorp
Classification: Pathogenic for Hereditary breast ovarian cancer syndrome. Last evaluated: 2021-02-07. Review status: criteria provided, single submitter. Criteria: Invitae Variant Classification Sherloc (09022015). Collection method: clinical testing. Allele origin: germline.
Comment: This sequence change creates a premature translational stop signal (p.Ser561Leufs*11) in the BRCA1 gene. It is expected to result in an absent or disrupted protein product. Loss-of-function variants in BRCA1 are known to be pathogenic (PMID: 20104584). This variant is not present in population databases (ExAC no frequency). This variant has not been reported in the literature in individuals with BRCA1-related conditions. For these reasons, this variant has been classified as Pathogenic.

Literature cited by the submitters: PubMed 20104584.